The following is an entry in ClinVar:

NM_007126.5(VCP):c.1993C>T (p.Pro665Ser)

Gene: VCP (valosin containing protein; minus strand). Cytogenetic location: 9p13.3.
Variant type: single nucleotide variant.
Coding change: c.1993C>T on transcript NM_007126.5 (MANE Select); coding-DNA position 1993, C replaced by T.
Protein change: p.Pro665Ser; replaces proline 665 with serine.
Molecular consequence: missense variant.
Genome position (GRCh38, 1-based): chr9:35,059,504, G>A on the plus strand (C>T on the coding strand, the complement: VCP is on the minus strand). VCF-style: chr9-35059504-G-A. GRCh37 (hg19) VCF-style: chr9-35059501-G-A.
Other names: c.1858C>T, p.Pro620Ser (NM_001354927.2, NM_001354928.2); short protein forms P620S, P665S.
Identifiers: ClinVar variation 1470708 (VCV001470708.8), dbSNP rs2131029246, ClinGen allele CA373274709.

ClinVar aggregate classification (germline): Uncertain significance (1 of 4 stars; one submission).

Conditions:
Frontotemporal dementia and/or amyotrophic lateral sclerosis 6 (FTDALS6). Also called: VCP-Related Amyotrophic Lateral Sclerosis; VCP-Related Amyotrophic Lateral Sclerosis/Frontotemporal Dementia. Identifiers: Orphanet 275872, Orphanet 803, MedGen C5436279, MONDO:0013501, OMIM 613954.
Inclusion body myopathy with Paget disease of bone and frontotemporal dementia. Also called: Inclusion body myopathy with early-onset Paget disease and frontotemporal dementia. Identifiers: Orphanet 52430, MedGen C1833662, MONDO:0000507.

Submission:

Labcorp Genetics (formerly Invitae), Labcorp
Classification: Uncertain significance for Inclusion body myopathy with Paget disease of bone and frontotemporal dementia; Frontotemporal dementia and/or amyotrophic lateral sclerosis 6. Last evaluated: 2025-09-02. Review status: criteria provided, single submitter. Criteria: Invitae Variant Classification Sherloc (09022015). Collection method: clinical testing. Allele origin: germline.
Comment: This sequence change replaces proline, which is neutral and non-polar, with serine, which is neutral and polar, at codon 665 of the VCP protein (p.Pro665Ser). This variant is not present in population databases (gnomAD no frequency). This variant has not been reported in the literature in individuals affected with VCP-related conditions. ClinVar contains an entry for this variant (Variation ID: 1470708). Invitae Evidence Modeling of protein sequence and biophysical properties (such as structural, functional, and spatial information, amino acid conservation, physicochemical variation, residue mobility, and thermodynamic stability) indicates that this missense variant is not expected to disrupt VCP protein function with a negative predictive value of 80%. In summary, the available evidence is currently insufficient to determine the role of this variant in disease. Therefore, it has been classified as a Variant of Uncertain Significance.